The following is an entry in ClinVar:

NM_001384317.1(ZHX3):c.1678C>A (p.Pro560Thr)

Gene: ZHX3 (zinc fingers and homeoboxes 3; minus strand). Cytogenetic location: 20q12.
Variant type: single nucleotide variant.
Coding change: c.1678C>A on transcript NM_001384317.1 (MANE Select); coding-DNA position 1678, C replaced by A.
Protein change: p.Pro560Thr; replaces proline 560 with threonine.
Molecular consequence: missense variant.
Genome position (GRCh38, 1-based): chr20:41,203,239, G>T on the plus strand (C>A on the coding strand, the complement: ZHX3 is on the minus strand). VCF-style: chr20-41203239-G-T. GRCh37 (hg19) VCF-style: chr20-39831879-G-T.
Other names: c.1678C>A, p.Pro560Thr (NM_001384315.1, NM_001384316.1, NM_001384318.1 and 8 more transcripts); short protein forms P560T.
Identifiers: ClinVar variation 1428301 (VCV001428301.6), dbSNP rs749788633, ClinGen allele CA9859912.

ClinVar aggregate classification (germline): Uncertain significance (1 of 4 stars; one submission).

Allele frequency attached by ClinVar (database versions not stated): gnomAD exomes below 0.00001 and 0.00001; ExAC 0.00001; gnomAD 0.00001; TOPMed 0.00001.
gnomAD v4.1: 9 of 1,614,024 alleles (0.00056%); highest among the groups gnomAD compares: African/African-American, 0.0013%; no homozygotes.

Submission:

Labcorp Genetics (formerly Invitae), Labcorp
Classification: Uncertain significance. Last evaluated: 2021-09-20. Review status: criteria provided, single submitter. Criteria: Invitae Variant Classification Sherloc (09022015). Collection method: clinical testing. Allele origin: germline.
Comment: In summary, the available evidence is currently insufficient to determine the role of this variant in disease. Therefore, it has been classified as a Variant of Uncertain Significance. Algorithms developed to predict the effect of missense changes on protein structure and function (SIFT, PolyPhen-2, Align-GVGD) all suggest that this variant is likely to be tolerated. This variant has not been reported in the literature in individuals affected with ZHX3-related conditions. This variant is present in population databases (rs749788633, ExAC 0.001%). This sequence change replaces proline with threonine at codon 560 of the ZHX3 protein (p.Pro560Thr). The proline residue is highly conserved and there is a small physicochemical difference between proline and threonine.